The following is an entry in ClinVar:

ClinVar aggregate classification (germline): Likely pathogenic. Review status: criteria provided, multiple submitters, no conflicts (2 of 4 stars). 2 submissions from 2 submitters: Likely pathogenic (2). Last evaluated 2026-02-11.

Conditions:
Hereditary cancer-predisposing syndrome. Also called: Hereditary Cancer Syndrome; Neoplastic Syndromes, Hereditary; Tumor predisposition; Hereditary neoplastic syndrome. Identifiers: Orphanet 140162, MedGen C0027672, MeSH D009386, MONDO:0015356.
Juvenile polyposis syndrome (JPS). Identifiers: Orphanet 2929, MedGen C0345893, MONDO:0017380, OMIM 174900.

Submissions (2):

Ambry Genetics
Classification: Likely pathogenic for Hereditary cancer-predisposing syndrome. Last evaluated: 2026-02-11. Review status: criteria provided, single submitter. Criteria: Ambry Variant Classification Scheme 2023. Collection method: clinical testing. Allele origin: germline.
Comment: The c.333+1G>A intronic variant results from a G to A substitution one nucleotide after coding exon 3 of the BMPR1A gene. This nucleotide position is highly conserved in available vertebrate species. In silico splice site analysis predicts that this alteration will weaken the native splice donor site; however, direct evidence is insufficient at this time (Ambry internal data). This variant is considered to be rare based on population cohorts in the Genome Aggregation Database (gnomAD). Alterations that disrupt the canonical splice site are expected to cause aberrant splicing, resulting in an abnormal protein or a transcript that is subject to nonsense-mediated mRNA decay. As such, this alteration is classified as likely pathogenic.

Labcorp Genetics (formerly Invitae), Labcorp
Classification: Likely pathogenic for Juvenile polyposis syndrome. Last evaluated: 2025-01-08. Review status: criteria provided, single submitter. Criteria: Invitae Variant Classification Sherloc (09022015). Collection method: clinical testing. Allele origin: germline.
Comment: This sequence change affects a donor splice site in intron 5 of the BMPR1A gene. It is expected to disrupt RNA splicing. Variants that disrupt the donor or acceptor splice site typically lead to a loss of protein function (PMID: 16199547), and loss-of-function variants in BMPR1A are known to be pathogenic (PMID: 11536076, 12417513). This variant is not present in population databases (gnomAD no frequency). This variant has not been reported in the literature in individuals affected with BMPR1A-related conditions. Algorithms developed to predict the effect of sequence changes on RNA splicing suggest that this variant may disrupt the consensus splice site. In summary, the currently available evidence indicates that the variant is pathogenic, but additional data are needed to prove that conclusively. Therefore, this variant has been classified as Likely Pathogenic.

Literature cited by the submitters: PubMed 16199547 (cited by Labcorp Genetics (formerly Invitae), Labcorp); PubMed 11536076 (cited by Labcorp Genetics (formerly Invitae), Labcorp); PubMed 12417513 (cited by Labcorp Genetics (formerly Invitae), Labcorp).

NM_004329.3(BMPR1A):c.333+1G>A

Gene: BMPR1A (bone morphogenetic protein receptor type 1A; plus strand). Cytogenetic location: 10q23.2.
Variant type: single nucleotide variant.
Coding change: c.333+1G>A on transcript NM_004329.3 (MANE Select); the canonical splice donor site of the intron after coding-DNA position 333, G replaced by A.
Molecular consequence: splice donor variant.
Genome position (GRCh38, 1-based): chr10:86,892,230, G>A. VCF-style: chr10-86892230-G-A. GRCh37 (hg19) VCF-style: chr10-88651987-G-A.
Other names: c.333+1G>A (NM_004329.2, NM_001406562.1, NM_001406568.1 and 24 more transcripts); c.249+1G>A (NM_001406584.1, NM_001406588.1, NM_001406587.1 and 2 more transcripts).
Identifiers: ClinVar variation 3723711 (VCV003723711.3).